The following is an entry in ClinVar:

NM_000264.5(PTCH1):c.2894C>T (p.Ala965Val)

Gene: PTCH1 (patched 1; minus strand). Cytogenetic location: 9q22.32.
Variant type: single nucleotide variant.
Coding change: c.2894C>T on transcript NM_000264.5 (MANE Select); coding-DNA position 2894, C replaced by T.
Protein change: p.Ala965Val; replaces alanine 965 with valine.
Molecular consequence: missense variant. On other transcripts: non-coding transcript variant (1).
Genome position (GRCh38, 1-based): chr9:95,458,287, G>A on the plus strand (C>T on the coding strand, the complement: PTCH1 is on the minus strand). VCF-style: chr9-95458287-G-A. GRCh37 (hg19) VCF-style: chr9-98220569-G-A.
Other names: c.2696C>T, p.Ala899Val (NM_001083602.3); c.2891C>T, p.Ala964Val (NM_001083603.3); c.2441C>T, p.Ala814Val (NM_001083604.3, NM_001083605.3, NM_001083606.3 and 1 more transcripts); c.2738C>T, p.Ala913Val (NM_001354918.2); short protein forms A814V, A913V, A899V, A964V, A965V.
Identifiers: ClinVar variation 4771041 (VCV004771041.1).

ClinVar aggregate classification (germline): Uncertain significance (1 of 4 stars; one submission).

Conditions:
Gorlin syndrome. Also called: Nevoid Basal Cell Carcinoma Syndrome; Basal cell nevus syndrome. Identifiers: Orphanet 377, MedGen C0004779, MONDO:0007187.

Submission:

Labcorp Genetics (formerly Invitae), Labcorp
Classification: Uncertain significance for Gorlin syndrome. Last evaluated: 2025-09-24. Review status: criteria provided, single submitter. Criteria: Invitae Variant Classification Sherloc (09022015). Collection method: clinical testing. Allele origin: germline.
Comment: This sequence change replaces alanine, which is neutral and non-polar, with valine, which is neutral and non-polar, at codon 965 of the PTCH1 protein (p.Ala965Val). This variant is not present in population databases (gnomAD no frequency). This variant has not been reported in the literature in individuals affected with PTCH1-related conditions. Invitae Evidence Modeling of protein sequence and biophysical properties (such as structural, functional, and spatial information, amino acid conservation, physicochemical variation, residue mobility, and thermodynamic stability) has been performed for this missense variant. However, the output from this modeling did not meet the statistical confidence thresholds required to predict the impact of this variant on PTCH1 protein function. In summary, the available evidence is currently insufficient to determine the role of this variant in disease. Therefore, it has been classified as a Variant of Uncertain Significance.